The following is an entry in ClinVar:

ClinVar aggregate classification (germline): Likely benign (1 of 4 stars; one submission).

Conditions:
PRPF31-related disorder. Also called: PRPF31-related condition.

gnomAD v4.1: 13 of 1,613,070 alleles (0.00081%); highest among the groups gnomAD compares: Non-Finnish European, 0.00034%; no homozygotes.

Submission:

PreventionGenetics, part of Exact Sciences
Classification: Likely benign for PRPF31-related condition. Last evaluated: 2026-05-26. Review status: criteria provided, single submitter. Criteria: ACMG Guidelines, 2015. Collection method: clinical testing. Allele origin: germline.
Comment: This variant is classified as likely benign based on ACMG/AMP sequence variant interpretation guidelines (Richards et al. 2015 PMID: 25741868, with internal and published modifications).

NM_015629.4(PRPF31):c.774G>A (p.Thr258=)

Gene: PRPF31 (pre-mRNA processing factor 31; plus strand). Cytogenetic location: 19q13.42.
Variant type: single nucleotide variant.
Coding change: c.774G>A on transcript NM_015629.4 (MANE Select); coding-DNA position 774, G replaced by A.
Protein change: p.Thr258=; no amino-acid change (threonine 258 retained).
Molecular consequence: synonymous variant.
Genome position (GRCh38, 1-based): chr19:54,124,575, G>A. VCF-style: chr19-54124575-G-A. GRCh37 (hg19) VCF-style: chr19-54627954-G-A.
Identifiers: ClinVar variation 4979405 (VCV004979405.1).